The following is an entry in ClinVar:

NM_006767.4(LZTR1):c.2002G>T (p.Asp668Tyr)

Gene: LZTR1 (leucine zipper like post translational regulator 1; plus strand). Cytogenetic location: 22q11.21.
Variant type: single nucleotide variant.
Coding change: c.2002G>T on transcript NM_006767.4 (MANE Select); coding-DNA position 2002, G replaced by T.
Protein change: p.Asp668Tyr; replaces aspartic acid 668 with tyrosine.
Molecular consequence: missense variant.
Genome position (GRCh38, 1-based): chr22:20,995,805, G>T. VCF-style: chr22-20995805-G-T. GRCh37 (hg19) VCF-style: chr22-21350094-G-T.
Other names: short protein forms D668Y.
Identifiers: ClinVar variation 561512 (VCV000561512.20), dbSNP rs776005012, ClinGen allele CA10119195.

ClinVar aggregate classification (germline): Conflicting classifications of pathogenicity. Review status: criteria provided, conflicting classifications (1 of 4 stars). 5 submissions from 5 submitters: Likely pathogenic (1); Uncertain significance (4). Last evaluated 2026-10-23.

Conditions:
Hereditary cancer-predisposing syndrome. Also called: Hereditary neoplastic syndrome; Neoplastic Syndromes, Hereditary; Tumor predisposition; Hereditary Cancer Syndrome. Identifiers: Orphanet 140162, MedGen C0027672, MeSH D009386, MONDO:0015356.
Cardiovascular phenotype. Identifiers: MedGen CN230736.
LZTR1-related schwannomatosis. Also called: Schwannomatosis 2; Schwannomatosis-2, susceptibility to. Identifiers: Orphanet 93921, MedGen C3810283, MONDO:0014299, OMIM 615670.

Allele frequency attached by ClinVar (database versions not stated): gnomAD exomes below 0.00001 and 0.00001; TOPMed 0.00001; gnomAD 0.00001; ExAC 0.00001.
gnomAD v4.1: 7 of 1,613,422 alleles (0.00043%); highest among the groups gnomAD compares: African/African-American, 0.0013%; no homozygotes.

Submissions (5):

GeneDx
Classification: Uncertain significance. Last evaluated: 2026-10-23. Review status: criteria provided, single submitter. Criteria: GeneDx Variant Classification Process June 2021. Collection method: clinical testing. Allele origin: germline.
Comment: Identified in the heterozygous state in a patient with schwannomatosis, whose tumor tissue exhibited loss of heterozygosity (PMID: 25480913, 39062695); Not observed at significant frequency in large population cohorts (gnomAD); In silico analysis supports that this missense variant has a deleterious effect on protein structure/function; This variant is associated with the following publications: (PMID: 39062695, 25480913)

Labcorp Genetics (formerly Invitae), Labcorp
Classification: Uncertain significance. Last evaluated: 2026-01-05. Review status: criteria provided, single submitter. Criteria: Invitae Variant Classification Sherloc (09022015). Collection method: clinical testing. Allele origin: germline.
Comment: This sequence change replaces aspartic acid, which is acidic and polar, with tyrosine, which is neutral and polar, at codon 668 of the LZTR1 protein (p.Asp668Tyr). This variant is present in population databases (rs776005012, gnomAD 0.002%). This missense change has been observed in individual(s) with schwannomatosis (PMID: 25480913). ClinVar contains an entry for this variant (Variation ID: 561512). Invitae Evidence Modeling of protein sequence and biophysical properties (such as structural, functional, and spatial information, amino acid conservation, physicochemical variation, residue mobility, and thermodynamic stability) indicates that this missense variant is not expected to disrupt LZTR1 protein function with a negative predictive value of 80%. In summary, the available evidence is currently insufficient to determine the role of this variant in disease. Therefore, it has been classified as a Variant of Uncertain Significance.

Ambry Genetics
Classification: Likely pathogenic for Cardiovascular phenotype; Hereditary cancer-predisposing syndrome. Last evaluated: 2024-12-23. Review status: criteria provided, single submitter. Criteria: Ambry Variant Classification Scheme 2023. Collection method: clinical testing. Allele origin: germline.
Comment: The p.D668Y variant (also known as c.2002G>T), located in coding exon 17 of the LZTR1 gene, results from a G to T substitution at nucleotide position 2002. The aspartic acid at codon 668 is replaced by tyrosine, an amino acid with highly dissimilar properties. This variant has been detected in a sporadic case with a clinical diagnosis of schwannomatosis (Smith MJ et al. Neurology, 2015 Jan;84:141-7). This amino acid position is highly conserved in available vertebrate species. In addition, this alteration is predicted to be deleterious by in silico analysis. This variant is considered to be rare based on population cohorts in the Genome Aggregation Database (gnomAD). Based on the supporting evidence, this variant is likely pathogenic for an increased risk of LZTR1-related schwannomatosis (SWN). This alteration is also likely to cause autosomal recessive Noonan syndrome when present along with a second pathogenic variant on the other allele.

Baylor Genetics
Classification: Uncertain significance for LZTR1-related schwannomatosis. Last evaluated: 2023-12-29. Review status: criteria provided, single submitter. Criteria: ACMG Guidelines, 2015. Collection method: clinical testing. Allele origin: unknown.

Blueprint Genetics
Classification: Uncertain significance. Last evaluated: 2023-04-20. Review status: criteria provided, single submitter. Criteria: ACMG Guidelines, 2015. Collection method: clinical testing. Allele origin: germline.

Literature cited by the submitters: PubMed 25480913 (cited by Labcorp Genetics (formerly Invitae), Labcorp and Ambry Genetics).